The following is an entry in ClinVar:

NM_206933.4(USH2A):c.560A>C (p.Tyr187Ser)

Gene: USH2A (usherin; minus strand). Cytogenetic location: 1q41.
Variant type: single nucleotide variant.
Coding change: c.560A>C on transcript NM_206933.4 (MANE Select); coding-DNA position 560, A replaced by C.
Protein change: p.Tyr187Ser; replaces tyrosine 187 with serine.
Molecular consequence: missense variant.
Genome position (GRCh38, 1-based): chr1:216,418,605, T>G on the plus strand (A>C on the coding strand, the complement: USH2A is on the minus strand). VCF-style: chr1-216418605-T-G. GRCh37 (hg19) VCF-style: chr1-216591947-T-G.
Other names: c.560A>C, p.Tyr187Ser (NM_007123.6); short protein forms Y187S.
Identifiers: ClinVar variation 1358875 (VCV001358875.8), dbSNP rs2102783945, ClinGen allele CA344902520.

ClinVar aggregate classification (germline): Uncertain significance (1 of 4 stars; one submission).

Submission:

Labcorp Genetics (formerly Invitae), Labcorp
Classification: Uncertain significance. Last evaluated: 2022-11-01. Review status: criteria provided, single submitter. Criteria: Invitae Variant Classification Sherloc (09022015). Collection method: clinical testing. Allele origin: germline.
Comment: This sequence change replaces tyrosine, which is neutral and polar, with serine, which is neutral and polar, at codon 187 of the USH2A protein (p.Tyr187Ser). This variant is not present in population databases (gnomAD no frequency). This variant has not been reported in the literature in individuals affected with USH2A-related conditions. ClinVar contains an entry for this variant (Variation ID: 1358875). Advanced modeling of protein sequence and biophysical properties (such as structural, functional, and spatial information, amino acid conservation, physicochemical variation, residue mobility, and thermodynamic stability) has been performed at Invitae for this missense variant, however the output from this modeling did not meet the statistical confidence thresholds required to predict the impact of this variant on USH2A protein function. In summary, the available evidence is currently insufficient to determine the role of this variant in disease. Therefore, it has been classified as a Variant of Uncertain Significance.